The following is an entry in ClinVar:

ClinVar aggregate classification (germline): Uncertain significance. Review status: criteria provided, multiple submitters, no conflicts (2 of 4 stars). 4 submissions from 4 submitters: Uncertain significance (4). Last evaluated 2025-01-13.

Conditions:
MHC class I deficiency. Identifiers: Orphanet 34592, MedGen C6024714, MONDO:0011476.

Allele frequency attached by ClinVar (database versions not stated): ExAC 0.00021; gnomAD exomes 0.00021 and 0.00023; TOPMed 0.00023; gnomAD 0.00026 and 0.00031; ESP Exome Variant Server 0.00036.

Submissions (4):

Labcorp Genetics (formerly Invitae), Labcorp
Classification: Uncertain significance for MHC class I deficiency 1. Last evaluated: 2025-01-13. Review status: criteria provided, single submitter. Criteria: Invitae Variant Classification Sherloc (09022015). Collection method: clinical testing. Allele origin: germline.
Comment: This sequence change replaces glutamic acid, which is acidic and polar, with glycine, which is neutral and non-polar, at codon 552 of the TAP2 protein (p.Glu552Gly). This variant is present in population databases (rs151064661, gnomAD 0.05%). This variant has not been reported in the literature in individuals affected with TAP2-related conditions. ClinVar contains an entry for this variant (Variation ID: 640861). Experimental studies and prediction algorithms are not available or were not evaluated, and the functional significance of this variant is currently unknown. In summary, the available evidence is currently insufficient to determine the role of this variant in disease. Therefore, it has been classified as a Variant of Uncertain Significance.

Blueprint Genetics
Classification: Uncertain significance. Last evaluated: 2024-10-10. Review status: criteria provided, single submitter. Criteria: ACMG Guidelines, 2015. Collection method: clinical testing. Allele origin: germline.

New York Genome Center
Classification: Uncertain significance for MHC class I deficiency 1. Last evaluated: 2021-03-22. Review status: criteria provided, single submitter. Criteria: NYGC Assertion Criteria 2020. Collection method: clinical testing. Allele origin: inherited. Observed: 1 heterozygote. Study: CSER-NYCKidSeq.

Breakthrough Genomics
Classification: Uncertain significance. Review status: criteria provided, single submitter. Criteria: ACMG Guidelines, 2015. Collection method: not provided. Allele origin: germline. Inheritance: Autosomal recessive inheritance. Affected: yes.

NM_001290043.2(TAP2):c.1655A>G (p.Glu552Gly)

Gene: TAP2 (transporter 2, ATP binding cassette subfamily B member; minus strand). Cytogenetic location: 6p21.32.
Variant type: single nucleotide variant.
Coding change: c.1655A>G on transcript NM_001290043.2 (MANE Select); coding-DNA position 1655, A replaced by G.
Protein change: p.Glu552Gly; replaces glutamic acid 552 with glycine.
Molecular consequence: missense variant.
Genome position (GRCh38, 1-based): chr6:32,830,070, T>C on the plus strand (A>G on the coding strand, the complement: TAP2 is on the minus strand). VCF-style: chr6-32830070-T-C. GRCh37 (hg19) VCF-style: chr6-32797847-T-C.
Other names: c.1655A>G, p.Glu552Gly (NM_000544.3, NM_018833.3); c.1655A>G (NM_018833.2); short protein forms E552G.
Identifiers: ClinVar variation 640861 (VCV000640861.11), dbSNP rs151064661, ClinGen allele CA3745834.